The following is an entry in ClinVar:

NM_000814.6(GABRB3):c.175C>T (p.Pro59Ser)

Gene: GABRB3 (gamma-aminobutyric acid type A receptor subunit beta3; minus strand). Cytogenetic location: 15q12.
Variant type: single nucleotide variant.
Coding change: c.175C>T on transcript NM_000814.6 (MANE Select); coding-DNA position 175, C replaced by T.
Protein change: p.Pro59Ser; replaces proline 59 with serine.
Molecular consequence: missense variant. On other transcripts: 5 prime UTR variant (1).
Genome position (GRCh38, 1-based): chr15:26,772,467, G>A on the plus strand (C>T on the coding strand, the complement: GABRB3 is on the minus strand). VCF-style: chr15-26772467-G-A. GRCh37 (hg19) VCF-style: chr15-27017614-G-A.
Other names: c.-177C>T (NM_001278631.2); c.175C>T, p.Pro59Ser (NM_021912.5); short protein forms P59S.
Identifiers: ClinVar variation 469573 (VCV000469573.10), dbSNP rs1555383878, ClinGen allele CA391465308.

ClinVar aggregate classification (germline): Uncertain significance. Review status: criteria provided, multiple submitters, no conflicts (2 of 4 stars). 2 submissions from 2 submitters: Uncertain significance (2). Last evaluated 2024-02-24.

Conditions:
Epilepsy, childhood absence, susceptibility to, 1. Also called: Epilepsy, childhood absence 1. Identifiers: Orphanet 64280, MedGen C1838604, MONDO:0020759, OMIM 600131.
Epilepsy, childhood absence, susceptibility to, 5. Identifiers: Orphanet 64280, MedGen C2677087, MONDO:0012843, OMIM 612269.
Inborn genetic diseases. Identifiers: MedGen C0950123, MeSH D030342.

Allele frequency attached by ClinVar (database versions not stated): TOPMed below 0.00001; gnomAD exomes 0.00001.
gnomAD v4.1: 10 of 1,610,352 alleles (0.00062%); highest among the groups gnomAD compares: Non-Finnish European, 0.00068%; no homozygotes.

Submissions (2):

Labcorp Genetics (formerly Invitae), Labcorp
Classification: Uncertain significance for Epilepsy, childhood absence, susceptibility to, 5; Epilepsy, childhood absence, susceptibility to, 1. Last evaluated: 2024-02-24. Review status: criteria provided, single submitter. Criteria: Invitae Variant Classification Sherloc (09022015). Collection method: clinical testing. Allele origin: germline.
Comment: This sequence change replaces proline, which is neutral and non-polar, with serine, which is neutral and polar, at codon 59 of the GABRB3 protein (p.Pro59Ser). This variant is not present in population databases (gnomAD no frequency). This missense change has been observed in individual(s) with clinical features of epileptic encephalopathy (PMID: 34645491). ClinVar contains an entry for this variant (Variation ID: 469573). An algorithm developed to predict the effect of missense changes on protein structure and function (PolyPhen-2) suggests that this variant is likely to be tolerated. In summary, the available evidence is currently insufficient to determine the role of this variant in disease. Therefore, it has been classified as a Variant of Uncertain Significance.

Ambry Genetics
Classification: Uncertain significance for Inborn genetic diseases. Last evaluated: 2018-02-28. Review status: criteria provided, single submitter. Criteria: Ambry Variant Classification Scheme 2023. Collection method: clinical testing. Allele origin: germline.
Comment: The p.P59S variant (also known as c.175C>T), located in coding exon 3 of the GABRB3 gene, results from a C to T substitution at nucleotide position 175. The proline at codon 59 is replaced by serine, an amino acid with similar properties. This amino acid position is not well conserved in available vertebrate species. In addition, this alteration is predicted to be tolerated by in silico analysis. Since supporting evidence is limited at this time, the clinical significance of this alteration remains unclear.

Literature cited by the submitters: PubMed 34645491 (cited by Labcorp Genetics (formerly Invitae), Labcorp).